The following is an entry in ClinVar:

NM_000182.5(HADHA):c.1620+9C>G

Genes: GAREM2 (GRB2 associated regulator of MAPK1 subtype 2; plus strand), HADHA (hydroxyacyl-CoA dehydrogenase trifunctional multienzyme complex subunit alpha; minus strand). Cytogenetic location: 2p23.3.
Variant type: single nucleotide variant.
Coding change: c.1620+9C>G on transcript NM_000182.5 (MANE Select); 9 bases into the intron after coding-DNA position 1620, C replaced by G.
Molecular consequence: intron variant.
Genome position (GRCh38, 1-based): chr2:26,195,083, G>C on the plus strand (C>G on the coding strand, the complement: HADHA is on the minus strand). VCF-style: chr2-26195083-G-C. GRCh37 (hg19) VCF-style: chr2-26417952-G-C.
Identifiers: ClinVar variation 509276 (VCV000509276.13), dbSNP rs772786562, ClinGen allele CA1559521.
Genomic context (GRCh38, chr2:26,195,083, plus strand): 5'-GCCTGGAGGTAAAAGGAGTCTTATTAGAACTTTTCAAAAACTCTGCAGCTCTGTTATACA[G>C]CCCCTTACCTTAACCACAATGATGACCTTCCCCTGCTTGAGACCAACTGCTACAGCTGAA-3'

ClinVar aggregate classification (germline): Likely benign. Review status: criteria provided, multiple submitters, no conflicts (2 of 4 stars). 3 submissions from 3 submitters: Likely benign (3). Last evaluated 2026-01-28.

Conditions:
Mitochondrial trifunctional protein deficiency. Identifiers: Orphanet 746, MedGen C1969443, MONDO:0012172.
Long chain 3-hydroxyacyl-CoA dehydrogenase deficiency. Also called: Deficiency of long-chain 3-hydroxyacyl-coenzyme A dehydrogenase; LCHAD Deficiency. Identifiers: Orphanet 5, MedGen C3711645, MONDO:0012173, OMIM 609016.

Allele frequency attached by ClinVar (database versions not stated): ExAC 0.00002; gnomAD 0.00003; TOPMed 0.00003.
gnomAD v4.1: 107 of 1,608,866 alleles (0.0067%); highest among the groups gnomAD compares: Non-Finnish European, 0.0083%; no homozygotes.

Submissions (3):

Labcorp Genetics (formerly Invitae), Labcorp
Classification: Likely benign for Mitochondrial trifunctional protein deficiency; Long chain 3-hydroxyacyl-CoA dehydrogenase deficiency. Last evaluated: 2026-01-28. Review status: criteria provided, single submitter. Criteria: Invitae Variant Classification Sherloc (09022015). Collection method: clinical testing. Allele origin: germline.

Blueprint Genetics
Classification: Likely benign. Last evaluated: 2024-03-19. Review status: criteria provided, single submitter. Criteria: ACMG Guidelines, 2015. Collection method: clinical testing. Allele origin: germline.

GeneDx
Classification: Likely benign. Last evaluated: 2017-05-01. Review status: criteria provided, single submitter. Criteria: GeneDx Variant Classification (06012015). Collection method: clinical testing. Allele origin: germline. Affected: yes.
Comment: This variant is considered likely benign or benign based on one or more of the following criteria: it is a conservative change, it occurs at a poorly conserved position in the protein, it is predicted to be benign by multiple in silico algorithms, and/or has population frequency not consistent with disease.